The following is an entry in ClinVar:

NM_152743.4(BRAT1):c.1206C>T (p.Asp402=)

Gene: BRAT1 (BRCA1 associated ATM activator 1; minus strand). Cytogenetic location: 7p22.3.
Variant type: single nucleotide variant.
Coding change: c.1206C>T on transcript NM_152743.4 (MANE Select); coding-DNA position 1206, C replaced by T.
Protein change: p.Asp402=; no amino-acid change (aspartic acid 402 retained).
Molecular consequence: synonymous variant. On other transcripts: non-coding transcript variant (1).
Genome position (GRCh38, 1-based): chr7:2,541,413, G>A on the plus strand (C>T on the coding strand, the complement: BRAT1 is on the minus strand). VCF-style: chr7-2541413-G-A. GRCh37 (hg19) VCF-style: chr7-2581047-G-A.
Other names: c.1206C>T, p.Asp402= (NM_001350626.2); c.681C>T, p.Asp227= (NM_001350627.2).
Identifiers: ClinVar variation 446894 (VCV000446894.16), dbSNP rs7807895, ClinGen allele CA4127883.

ClinVar aggregate classification (germline): Benign/Likely benign. Review status: criteria provided, multiple submitters, no conflicts (2 of 4 stars). 5 submissions from 5 submitters: Benign (2); Likely benign (2). 1 of the submissions does not count toward it. Last evaluated 2026-02-03.

Conditions:
BRAT1-related disorder. Also called: BRAT1-related condition; BRAT1-related disorders.
Neonatal-onset encephalopathy with rigidity and seizures. Also called: Lethal neonatal spasticity-epileptic encephalopathy syndrome. Identifiers: Orphanet 435845, MedGen C3281029, MONDO:0013784, OMIM 614498.

Allele frequency attached by ClinVar (database versions not stated): gnomAD exomes 0.00308; ExAC 0.00660; gnomAD 0.01308 and 0.01413; ESP Exome Variant Server 0.01434; 1000 Genomes Project 0.01458; TOPMed 0.01484; 1000 Genomes Project 30x 0.01718.

Submissions (5):

Labcorp Genetics (formerly Invitae), Labcorp
Classification: Benign for Neonatal-onset encephalopathy with rigidity and seizures. Last evaluated: 2026-02-03. Review status: criteria provided, single submitter. Criteria: Invitae Variant Classification Sherloc (09022015). Collection method: clinical testing. Allele origin: germline.

GeneDx
Classification: Likely benign. Last evaluated: 2021-08-30. Review status: criteria provided, single submitter. Criteria: GeneDx Variant Classification Process June 2021. Collection method: clinical testing. Allele origin: germline. Affected: yes.

Athena Diagnostics
Classification: Benign. Last evaluated: 2017-06-28. Review status: criteria provided, single submitter. Criteria: Athena Diagnostics Criteria. Collection method: clinical testing. Allele origin: germline.

Breakthrough Genomics
Classification: Likely benign. Review status: criteria provided, single submitter. Criteria: ACMG Guidelines, 2015. Collection method: not provided. Allele origin: germline. Inheritance: Autosomal recessive inheritance. Affected: yes.

PreventionGenetics, part of Exact Sciences
Classification: Benign for BRAT1-related condition. Last evaluated: 2024-05-06. Review status: no assertion criteria provided. Collection method: clinical testing. Allele origin: germline. Not counted in ClinVar's aggregate classification.
Comment: This variant is classified as benign based on ACMG/AMP sequence variant interpretation guidelines (Richards et al. 2015 PMID: 25741868, with internal and published modifications).